The following is an entry in ClinVar:

ClinVar aggregate classification (germline): Likely pathogenic (1 of 4 stars; one submission).

Allele frequency attached by ClinVar (database versions not stated): gnomAD 0.00001; gnomAD exomes 0.00002; TOPMed 0.00003.
gnomAD v4.1: 23 of 1,569,176 alleles (0.0015%); highest among the groups gnomAD compares: Non-Finnish European, 0.002%; no homozygotes.

Submission:

CeGaT Center for Human Genetics Tuebingen
Classification: Likely pathogenic. Last evaluated: 2022-12-01. Review status: criteria provided, single submitter. Criteria: CeGaT Center For Human Genetics Tuebingen Variant Classification Criteria Version 2. Collection method: clinical testing. Allele origin: germline. Affected: yes. Observed: 1 variant allele.
Comment: ACADS: PVS1:Strong, PM2

NM_000017.4(ACADS):c.625-133A>T

Gene: ACADS (acyl-CoA dehydrogenase short chain; plus strand). Cytogenetic location: 12q24.31.
Variant type: single nucleotide variant.
Coding change: c.625-133A>T on transcript NM_000017.4 (MANE Select); 133 bases into the intron before coding-DNA position 625, A replaced by T.
Molecular consequence: intron variant. On other transcripts: nonsense (1).
Genome position (GRCh38, 1-based): chr12:120,738,147, A>T. VCF-style: chr12-120738147-A-T. GRCh37 (hg19) VCF-style: chr12-121175950-A-T.
Other names: c.571A>T, p.Arg191Ter (NM_001302554.2); short protein forms R191*.
Identifiers: ClinVar variation 2643400 (VCV002643400.24), dbSNP rs1359518284, ClinGen allele CA386600652.